The following is an entry in ClinVar:

ClinVar aggregate classification (germline): Uncertain significance (1 of 4 stars; one submission).

Conditions:
Charcot-Marie-Tooth disease axonal type 2C (HMSN2C). Also called: Charcot-Marie-Tooth Disease Type 2, TRPV4-Related (CMT2C); CHARCOT-MARIE-TOOTH DISEASE, AXONAL, AUTOSOMAL DOMINANT, TYPE 2C; Charcot-Marie-Tooth Neuropathy Type 2C. Identifiers: Orphanet 99937, MedGen C1853710, MONDO:0011633, OMIM 606071.

Allele frequency attached by ClinVar (database versions not stated): gnomAD exomes 0.00001.

Submission:

Labcorp Genetics (formerly Invitae), Labcorp
Classification: Uncertain significance for Charcot-Marie-Tooth disease axonal type 2C. Last evaluated: 2021-06-05. Review status: criteria provided, single submitter. Criteria: Invitae Variant Classification Sherloc (09022015). Collection method: clinical testing. Allele origin: germline.
Comment: This variant results in the deletion of part of exon 9 (c.1492-1_1494del) of the TRPV4 gene. It is expected to disrupt RNA splicing. Variants that disrupt the donor or acceptor splice site typically lead to a loss of protein function (PMID: 16199547), however the current clinical and genetic evidence is not sufficient to establish whether loss-of-function variants in TRPV4 cause disease. This variant is not present in population databases (ExAC no frequency). This variant has not been reported in the literature in individuals with TRPV4-related conditions. Algorithms developed to predict the effect of sequence changes on RNA splicing suggest that this variant may disrupt the consensus splice site, but this prediction has not been confirmed by published transcriptional studies. In summary, the available evidence is currently insufficient to determine the role of this variant in disease. Therefore, it has been classified as a Variant of Uncertain Significance.

Literature cited by the submitters: PubMed 16199547.

NM_021625.5(TRPV4):c.1492-1_1494del

Gene: TRPV4 (transient receptor potential cation channel subfamily V member 4; minus strand). Cytogenetic location: 12q24.11.
Variant type: Deletion.
Coding change: c.1492-1_1494del on transcript NM_021625.5 (MANE Select); the canonical splice acceptor site of the intron before coding-DNA position 1492 through coding-DNA position 1494, 4 bases deleted (GCCG; older notation c.1492-1_1494delGCCG).
Molecular consequence: splice acceptor variant.
Genome position (GRCh38, 1-based): chr12:109,794,020-109,794,023, CGGC deleted on the plus strand (GCCG on the coding strand, the reverse complement: TRPV4 is on the minus strand). VCF-style (leftmost placement, unchanged base first): chr12-109794019-GCGGC-G. GRCh37 (hg19) VCF-style: chr12-110231824-GCGGC-G.
Other names: c.1171-1_1173del (NM_001177433.1); c.1351-1_1353del (NM_001177428.1); c.1312-1_1314del (NM_147204.2); c.1390-1_1392del (NM_001177431.1).
Identifiers: ClinVar variation 1398459 (VCV001398459.6), dbSNP rs2136480490, ClinGen allele CA2573147937.